The following is an entry in ClinVar:

ClinVar aggregate classification (germline): Uncertain significance (1 of 4 stars; one submission).

Conditions:
Primary dilated cardiomyopathy (DCM). Also called: Dilated Cardiomyopathy. Identifiers: Orphanet 217604, MedGen C0007193, MeSH D002311, MONDO:0005021, HP:0001644. Inheritance: Various modes of inheritance.

Submission:

Labcorp Genetics (formerly Invitae), Labcorp
Classification: Uncertain significance for Primary dilated cardiomyopathy. Last evaluated: 2022-06-10. Review status: criteria provided, single submitter. Criteria: Invitae Variant Classification Sherloc (09022015). Collection method: clinical testing. Allele origin: germline.
Comment: In summary, the available evidence is currently insufficient to determine the role of this variant in disease. Therefore, it has been classified as a Variant of Uncertain Significance. Algorithms developed to predict the effect of missense changes on protein structure and function are either unavailable or do not agree on the potential impact of this missense change (SIFT: "Not Available"; PolyPhen-2: "Benign"; Align-GVGD: "Not Available"). This variant has not been reported in the literature in individuals affected with NEBL-related conditions. This variant is present in population databases (no rsID available, gnomAD 0.08%). This sequence change replaces isoleucine, which is neutral and non-polar, with lysine, which is basic and polar, at codon 900 of the NEBL protein (p.Ile900Lys).

NM_006393.3(NEBL):c.2699_2700delinsAA (p.Ile900Lys)

Gene: NEBL (nebulette; minus strand). Cytogenetic location: 10p12.31.
Variant type: Indel.
Coding change: c.2699_2700delinsAA on transcript NM_006393.3 (MANE Select); coding-DNA positions 2699 to 2700, TC replaced by AA.
Protein change: p.Ile900Lys; replaces isoleucine 900 with lysine.
Molecular consequence: missense variant. On other transcripts: intron variant (9).
Genome position (GRCh38, 1-based): chr10:20,808,571-20,808,572, GA replaced by TT on the plus strand (TC replaced by AA on the coding strand, the reverse complement: NEBL is on the minus strand). VCF-style: chr10-20808571-GA-TT. GRCh37 (hg19) VCF-style: chr10-21097500-GA-TT.
Other names: c.421+4197_421+4198delinsAA (NM_001377326.1, NM_001377327.1, NM_001377328.1); c.529+4197_529+4198delinsAA (NM_213569.2, NM_001173484.2); c.622+1234_622+1235delinsAA (NM_001377322.1); c.472+4197_472+4198delinsAA (NM_001377324.1); c.463+4197_463+4198delinsAA (NM_001377325.1); c.481+4197_481+4198delinsAA (NM_001377323.1); short protein forms I900K.
Identifiers: ClinVar variation 2079053 (VCV002079053.4), dbSNP rs2491560852, ClinGen allele CA2580081389.
Genomic context (GRCh38, chr10:20,808,571, plus strand): 5'-TCCTTCATCAGACGGTCTTGTTACCTCACTGCAGCATGAAAAGCTAGGGTAAATCTCGGA[GA>TT]TTTCTGACCTGTCGTCTCCGAGACCTGTACCGAAAGTACTGCTGGAATGGGATCGAGACC-3'
Protein context (NP_006384.1, residues 890-910): GTGLGDDRSE[Ile900Lys]SEIYPSFSCC